The following is an entry in ClinVar:

NM_025216.3(WNT10A):c.310C>T (p.Arg104Cys)

Gene: WNT10A (Wnt family member 10A; plus strand). Cytogenetic location: 2q35.
Variant type: single nucleotide variant.
Coding change: c.310C>T on transcript NM_025216.3 (MANE Select); coding-DNA position 310, C replaced by T.
Protein change: p.Arg104Cys; replaces arginine 104 with cysteine.
Molecular consequence: missense variant.
Genome position (GRCh38, 1-based): chr2:218,882,357, C>T. VCF-style: chr2-218882357-C-T. GRCh37 (hg19) VCF-style: chr2-219747079-C-T.
Other names: short protein forms R104C.
Identifiers: ClinVar variation 532827 (VCV000532827.17), dbSNP rs764658964, ClinGen allele CA2113875.

ClinVar aggregate classification (germline): Pathogenic/Likely pathogenic. Review status: criteria provided, multiple submitters, no conflicts (2 of 4 stars). 6 submissions from 6 submitters: Pathogenic (2); Likely pathogenic (3). 1 of the submissions does not count toward it. Last evaluated 2025-10-27.

Conditions:
Tooth agenesis, selective, 4 (STHAG4). Also called: LATERAL INCISORS, ABSENCE OF; LATERAL INCISORS, PEGGED OR MISSING; SUCCEDANEOUS TEETH, AGENESIS OF; TOOTH AGENESIS, SELECTIVE, 4, WITH OR WITHOUT ECTODERMAL DYSPLASIA. Identifiers: Orphanet 99798, MedGen C1835492, MONDO:0007881, OMIM 150400. Disease mechanism: loss of function.
Schöpf-Schulz-Passarge syndrome. Also called: SchC6pf-Schulz-Passarge syndrome; ECCRINE TUMORS WITH ECTODERMAL DYSPLASIA; KERATOSIS PALMOPLANTARIS WITH CYSTIC EYELIDS, HYPODONTIA, AND HYPOTRICHOSIS. Identifiers: Orphanet 50944, MedGen C1857069, MONDO:0009145, OMIM 224750.
Odonto-onycho-dermal dysplasia. Identifiers: Orphanet 2721, MedGen C0796093, MONDO:0009773, OMIM 257980.

Allele frequency attached by ClinVar (database versions not stated): gnomAD 0.00001; gnomAD exomes 0.00001 and 0.00005; TOPMed 0.00002; ExAC 0.00005.
gnomAD v4.1: 10 of 1,614,066 alleles (0.00062%); highest among the groups gnomAD compares: East Asian, 0.016%; no homozygotes.

Submissions (6):

Natera, Inc.
Classification: Likely pathogenic for Schopf-Schulz-Passarge syndrome. Last evaluated: 2025-10-27. Review status: criteria provided, single submitter. Criteria: Natera Variant Classification Schema (03/2026). Collection method: clinical testing. Allele origin: germline.
Comment: The c.310C>T variant in WNT10A is a missense variant predicted to cause substitution of arginine to cysteine at amino acid 104. This variant is rare in the general population with a frequency below the threshold expected for the associated phenotype(s). This variant has been observed in one or more individuals affected with the associated recessive disease, as either homozygous or compound heterozygous with a second variant (PMID: 30974434, 36832485, 29271000, 25629078). A different variant at the same position has been determined to be Pathogenic or Likely Pathogenic. Computational prediction algorithms indicate this variant is likely to affect gene or protein function. Given the available evidence, this variant is classified as Likely Pathogenic.

GeneDx
Classification: Likely pathogenic. Last evaluated: 2024-08-28. Review status: criteria provided, single submitter. Criteria: GeneDx Variant Classification Process June 2021. Collection method: clinical testing. Allele origin: germline. Affected: yes.
Comment: Observed in apparent homozygous state in unrelated patients in published literature (PMID: 30974434, 29271000) with WNT10A-related disorders and not observed in homozygous state in controls; In silico analysis supports that this missense variant has a deleterious effect on protein structure/function; This variant is associated with the following publications: (PMID: 30426266, 29271000, 30974434, 36832485, 25629078, 36071541)

Fulgent Genetics
Classification: Likely pathogenic for Tooth agenesis, selective, 4; Schöpf-Schulz-Passarge syndrome; Odonto-onycho-dermal dysplasia. Last evaluated: 2024-05-21. Review status: criteria provided, single submitter. Criteria: ACMG Guidelines, 2015. Collection method: clinical testing. Allele origin: germline.

Labcorp Genetics (formerly Invitae), Labcorp
Classification: Pathogenic for Tooth agenesis, selective, 4; Odonto-onycho-dermal dysplasia. Last evaluated: 2024-01-25. Review status: criteria provided, single submitter. Criteria: Invitae Variant Classification Sherloc (09022015). Collection method: clinical testing. Allele origin: germline.
Comment: This sequence change replaces arginine, which is basic and polar, with cysteine, which is neutral and slightly polar, at codon 104 of the WNT10A protein (p.Arg104Cys). This variant is present in population databases (rs764658964, gnomAD 0.07%). This missense change has been observed in individual(s) with ectodermal dysplasia and tooth agenesis (PMID: 29271000, 30974434; Invitae). In at least one individual the data is consistent with being in trans (on the opposite chromosome) from a pathogenic variant. It has also been observed to segregate with disease in related individuals. ClinVar contains an entry for this variant (Variation ID: 532827). Advanced modeling of protein sequence and biophysical properties (such as structural, functional, and spatial information, amino acid conservation, physicochemical variation, residue mobility, and thermodynamic stability) performed at Invitae indicates that this missense variant is expected to disrupt WNT10A protein function with a positive predictive value of 80%. For these reasons, this variant has been classified as Pathogenic.

Juno Genomics, Hangzhou Juno Genomics, Inc
Classification: Pathogenic for Schöpf-Schulz-Passarge syndrome; Tooth agenesis, selective, 4; Odonto-onycho-dermal dysplasia. Review status: criteria provided, single submitter. Criteria: ACMG Guidelines, 2015. Collection method: clinical testing. Allele origin: germline.
Comment: Absent from controls (or at extremely low frequency if recessive) in Genome Aggregation Database.;Multiple lines of computational evidence support a deleterious effect on the gene or gene product.;For recessive disorders, detected in trans with a pathogenic variant.;Patient's phenotype or family history is highly specific for a disease with a single genetic etiology.

Department of Second Dental Center, Ninth People’s Hospital, Shanghai Jiao Tong University School of Medicine
Classification: Likely pathogenic for Odonto-onycho-dermal dysplasia. Review status: no assertion criteria provided. Collection method: clinical testing. Allele origin: inherited. Affected: yes. Not counted in ClinVar's aggregate classification.

Literature cited by the submitters: PubMed 30974434 (cited by Natera, Inc. and Labcorp Genetics (formerly Invitae), Labcorp); PubMed 36832485 (cited by Natera, Inc.); PubMed 29271000 (cited by Natera, Inc. and Labcorp Genetics (formerly Invitae), Labcorp); PubMed 25629078 (cited by Natera, Inc.); PubMed 36071541 (cited by Department of Second Dental Center, Ninth People’s Hospital, Shanghai Jiao Tong University School of Medicine).